The following is an entry in ClinVar:

ClinVar aggregate classification (germline): Uncertain significance (1 of 4 stars; one submission).

Conditions:
Hereditary breast ovarian cancer syndrome. Also called: Hereditary breast and ovarian cancer syndrome (HBOC); Breast and ovarian cancer; Hereditary breast and ovarian cancer; Hereditary breast and ovarian cancer syndrome; BRCA1- and BRCA2-Associated Hereditary Breast and Ovarian Cancer; Hereditary breast and/or ovarian cancer syndrome. Identifiers: Orphanet 145, MedGen C0677776, MeSH D061325, MONDO:0003582. Disease mechanism: loss of function.

Submission:

Labcorp Genetics (formerly Invitae), Labcorp
Classification: Uncertain significance for Hereditary breast ovarian cancer syndrome. Last evaluated: 2023-11-05. Review status: criteria provided, single submitter. Criteria: Invitae Variant Classification Sherloc (09022015). Collection method: clinical testing. Allele origin: germline.
Comment: This sequence change replaces serine, which is neutral and polar, with threonine, which is neutral and polar, at codon 1496 of the BRCA1 protein (p.Ser1496Thr). This variant is not present in population databases (gnomAD no frequency). This variant has not been reported in the literature in individuals affected with BRCA1-related conditions. An algorithm developed to predict the effect of missense changes on protein structure and function (PolyPhen-2) suggests that this variant is likely to be tolerated. In summary, the available evidence is currently insufficient to determine the role of this variant in disease. Therefore, it has been classified as a Variant of Uncertain Significance.

NM_007294.4(BRCA1):c.4486T>A (p.Ser1496Thr)

Gene: BRCA1 (BRCA1 DNA repair associated; minus strand). Cytogenetic location: 17q21.31.
Variant type: single nucleotide variant.
Coding change: c.4486T>A on transcript NM_007294.4 (MANE Select); coding-DNA position 4486, T replaced by A.
Protein change: p.Ser1496Thr; replaces serine 1496 with threonine.
Molecular consequence: missense variant. On other transcripts: intron variant (3).
Genome position (GRCh38, 1-based): chr17:43,074,520, A>T on the plus strand (T>A on the coding strand, the complement: BRCA1 is on the minus strand). VCF-style: chr17-43074520-A-T. GRCh37 (hg19) VCF-style: chr17-41226537-A-T.
Other names: c.4549T>A, p.Ser1517Thr (NM_001407587.1, NM_001407583.1, NM_001407585.1 and 1 more transcripts); c.4273T>A, p.Ser1425Thr (NM_001407571.1, NM_001407894.1, NM_001407895.1 and 12 more transcripts); c.4552T>A, p.Ser1518Thr (NM_001407581.1, NM_001407582.1); c.1051T>A, p.Ser351Thr (NM_001408433.1, NM_001408434.1, NM_001408435.1 and 10 more transcripts); c.1048T>A, p.Ser350Thr (NM_001408445.1, NM_001408446.1, NM_001408447.1 and 2 more transcripts); c.1042T>A, p.Ser348Thr (NM_001408451.1); c.1036T>A, p.Ser346Thr (NM_001408452.1, NM_001408453.1, NM_001408454.1 and 3 more transcripts); c.1033T>A, p.Ser345Thr (NM_001408458.1, NM_001408459.1, NM_001408460.1 and 7 more transcripts); and 71 more; short protein forms S1327T, S1384T, S1424T, S1449T, S1455T, S1494T, S1516T, S1518T.
Identifiers: ClinVar variation 2693375 (VCV002693375.3), dbSNP rs2154024639, ClinGen allele CA10592556.